The following is an entry in ClinVar:

NM_001136139.4(TCF3):c.1604T>C (p.Leu535Pro)

Gene: TCF3 (transcription factor 3; minus strand). Cytogenetic location: 19p13.3.
Variant type: single nucleotide variant.
Coding change: c.1604T>C on transcript NM_001136139.4 (MANE Plus Clinical); coding-DNA position 1604, T replaced by C.
Protein change: p.Leu535Pro; replaces leucine 535 with proline.
Molecular consequence: missense variant. On other transcripts: intron variant (2).
Genome position (GRCh38, 1-based): chr19:1,612,416, A>G on the plus strand (T>C on the coding strand, the complement: TCF3 is on the minus strand). VCF-style: chr19-1612416-A-G. GRCh37 (hg19) VCF-style: chr19-1612415-A-G.
Other names: c.1604T>C, p.Leu535Pro (NM_001351779.2); c.1820-567T>C (NM_001351778.2); c.1823-567T>C (NM_003200.5); short protein forms L535P.
Identifiers: ClinVar variation 2998790 (VCV002998790.3), dbSNP rs373228083, ClinGen allele CA9049600.

ClinVar aggregate classification (germline): Uncertain significance (1 of 4 stars; one submission).

Allele frequency attached by ClinVar (database versions not stated): ESP Exome Variant Server 0.00010; ExAC 0.00001; TOPMed 0.00001; gnomAD exomes below 0.00001.
gnomAD v4.1: 5 of 1,612,482 alleles (0.00031%); highest among the groups gnomAD compares: Middle Eastern, 0.017%; no homozygotes.

Submission:

Labcorp Genetics (formerly Invitae), Labcorp
Classification: Uncertain significance. Last evaluated: 2023-01-05. Review status: criteria provided, single submitter. Criteria: Invitae Variant Classification Sherloc (09022015). Collection method: clinical testing. Allele origin: germline.
Comment: The TCF3 gene has multiple clinically relevant transcripts. This variant occurs in alternate transcript NM_001136139.3, and corresponds to NM_003200.4:c.1823-567T>C in the primary transcript. This sequence change replaces leucine, which is neutral and non-polar, with proline, which is neutral and non-polar, at codon 535 of the TCF3 protein (p.Leu535Pro). This variant is present in population databases (rs373228083, gnomAD 0.002%). This missense change has been observed in individual(s) with common variable immunodeficiency (PMID: 34619682). Experimental studies and prediction algorithms are not available or were not evaluated, and the functional significance of this variant is currently unknown. In summary, the available evidence is currently insufficient to determine the role of this variant in disease. Therefore, it has been classified as a Variant of Uncertain Significance.

Literature cited by the submitters: PubMed 34619682.